The following is an entry in ClinVar:

NM_015046.7(SETX):c.3606T>C (p.Asp1202=)

Gene: SETX (senataxin; minus strand). Cytogenetic location: 9q34.13.
Variant type: single nucleotide variant.
Coding change: c.3606T>C on transcript NM_015046.7 (MANE Select); coding-DNA position 3606, T replaced by C.
Protein change: p.Asp1202=; no amino-acid change (aspartic acid 1202 retained).
Molecular consequence: synonymous variant.
Genome position (GRCh38, 1-based): chr9:132,327,992, A>G on the plus strand (T>C on the coding strand, the complement: SETX is on the minus strand). VCF-style: chr9-132327992-A-G. GRCh37 (hg19) VCF-style: chr9-135203379-A-G.
Other names: c.3606T>C, p.Asp1202= (NM_001351527.2, NM_001351528.2).
Identifiers: ClinVar variation 4687534 (VCV004687534.1).

ClinVar aggregate classification (germline): Likely benign (1 of 4 stars; one submission).

gnomAD v4.1: 3 of 1,613,848 alleles (0.00019%); highest among the groups gnomAD compares: Non-Finnish European, 0.00025%; no homozygotes.

Submission:

Women's Health and Genetics/Laboratory Corporation of America, LabCorp
Classification: Likely benign. Last evaluated: 2025-10-06. Review status: criteria provided, single submitter. Criteria: LabCorp Variant Classification Summary - May 2015. Collection method: clinical testing. Allele origin: germline.
Comment: Variant summary: SETX c.3606T>C alters a non-conserved nucleotide resulting in a synonymous change. Consensus agreement among computation tools predict no significant impact on normal splicing. However, these predictions have yet to be confirmed by functional studies. The variant was absent in 250704 control chromosomes. The available data on variant occurrences in the general population are insufficient to allow any conclusion about variant significance. To our knowledge, no occurrence of c.3606T>C in individuals affected with SETX-related conditions and no experimental evidence demonstrating its impact on protein function have been reported. No submitters have cited clinical-significance assessments for this variant to ClinVar. Based on the evidence outlined above, the variant was classified as likely benign.